The following is an entry in ClinVar:

NM_014956.5(CEP164):c.4326G>C (p.Leu1442Phe)

Gene: CEP164 (centrosomal protein 164; plus strand). Cytogenetic location: 11q23.3.
Variant type: single nucleotide variant.
Coding change: c.4326G>C on transcript NM_014956.5 (MANE Select); coding-DNA position 4326, G replaced by C.
Protein change: p.Leu1442Phe; replaces leucine 1442 with phenylalanine.
Molecular consequence: missense variant.
Genome position (GRCh38, 1-based): chr11:117,412,111, G>C. VCF-style: chr11-117412111-G-C. GRCh37 (hg19) VCF-style: chr11-117282827-G-C.
Other names: c.4311G>C, p.Leu1437Phe (NM_001271933.2); c.4332G>C, p.Leu1444Phe (NM_001440949.1); c.4326G>C, p.Leu1442Phe (NM_001440950.1, NM_001440951.1); c.4317G>C, p.Leu1439Phe (NM_001440952.1); c.4302G>C, p.Leu1434Phe (NM_001440953.1); c.4248G>C, p.Leu1416Phe (NM_001440954.1, NM_001440955.1); c.4239G>C, p.Leu1413Phe (NM_001440956.1); c.4236G>C, p.Leu1412Phe (NM_001440957.1); and 21 more; short protein forms L1314F, L1323F, L1381F, L1386F, L1388F, L1399F, L1416F, L1439F.
Identifiers: ClinVar variation 4991556 (VCV004991556.1).

ClinVar aggregate classification (germline): Uncertain significance (1 of 4 stars; one submission).

Conditions:
CEP164-related disorder. Also called: CEP164-related condition.

Submission:

PreventionGenetics, part of Exact Sciences
Classification: Uncertain significance for CEP164-related condition. Last evaluated: 2025-10-09. Review status: criteria provided, single submitter. Criteria: ACMG Guidelines, 2015. Collection method: clinical testing. Allele origin: germline.
Comment: The CEP164 c.4326G>C variant is predicted to result in the amino acid substitution p.Leu1442Phe. To our knowledge, this variant has not been reported in the literature or in a large population database (gnomAD), indicating this variant is rare. At this time, the clinical significance of this variant is uncertain due to the absence of conclusive functional and genetic evidence.